The following is an entry in ClinVar:

ClinVar aggregate classification (germline): Uncertain significance (1 of 4 stars; one submission).

Conditions:
Hereditary cancer-predisposing syndrome. Also called: Tumor predisposition; Neoplastic Syndromes, Hereditary; Hereditary neoplastic syndrome; Hereditary Cancer Syndrome. Identifiers: Orphanet 140162, MedGen C0027672, MeSH D009386, MONDO:0015356.

Submission:

Ambry Genetics
Classification: Uncertain significance for Hereditary cancer-predisposing syndrome. Last evaluated: 2025-08-27. Review status: criteria provided, single submitter. Criteria: Ambry Variant Classification Scheme 2023. Collection method: clinical testing. Allele origin: germline.
Comment: The p.R36S variant (also known as c.108G>C), located in coding exon 2 of the MUTYH gene, results from a G to C substitution at nucleotide position 108. The arginine at codon 36 is replaced by serine, an amino acid with dissimilar properties. This amino acid position is conserved. In addition, this alteration is predicted to be tolerated by in silico analysis. Based on the available evidence, the clinical significance of this variant remains unclear.

NM_001048174.2(MUTYH):c.66G>C (p.Arg22Ser)

Gene: MUTYH (mutY DNA glycosylase; minus strand). Cytogenetic location: 1p34.1.
Variant type: single nucleotide variant.
Coding change: c.66G>C on transcript NM_001048174.2 (MANE Select); coding-DNA position 66, G replaced by C.
Protein change: p.Arg22Ser; replaces arginine 22 with serine.
Molecular consequence: missense variant. On other transcripts: 5 prime UTR variant (7), non-coding transcript variant (7).
Genome position (GRCh38, 1-based): chr1:45,334,440, C>G on the plus strand (G>C on the coding strand, the complement: MUTYH is on the minus strand). VCF-style: chr1-45334440-C-G. GRCh37 (hg19) VCF-style: chr1-45800112-C-G.
Other names: c.66G>C, p.Arg22Ser (NM_001048171.2, NM_001048172.2, NM_001048173.2 and 15 more transcripts); c.108G>C, p.Arg36Ser (NM_001128425.2, NM_001293190.2, NM_001407069.1 and 2 more transcripts); c.-147G>C (NM_001293192.2, NM_001293196.2, NM_001407091.1); c.-206G>C (NM_001350650.2); c.-142G>C (NM_001350651.2, NM_001407082.1); c.-91G>C (NM_001407075.1); c.84G>C, p.Arg28Ser (NM_001407087.1); short protein forms R28S, R36S, R22S.
Identifiers: ClinVar variation 4113006 (VCV004113006.1).